The following is an entry in ClinVar:

NM_022367.4(SEMA4A):c.1481G>C (p.Arg494Pro)

Gene: SEMA4A (semaphorin 4A; plus strand). Cytogenetic location: 1q22.
Variant type: single nucleotide variant.
Coding change: c.1481G>C on transcript NM_022367.4 (MANE Select); coding-DNA position 1481, G replaced by C.
Protein change: p.Arg494Pro; replaces arginine 494 with proline.
Molecular consequence: missense variant.
Genome position (GRCh38, 1-based): chr1:156,175,132, G>C. VCF-style: chr1-156175132-G-C. GRCh37 (hg19) VCF-style: chr1-156144923-G-C.
Other names: c.1481G>C, p.Arg494Pro (NM_001193300.2, NM_001193301.2, NM_001370567.1); c.1085G>C, p.Arg362Pro (NM_001193302.2); c.1184G>C, p.Arg395Pro (NM_001370568.1); c.974G>C, p.Arg325Pro (NM_001370569.1, NM_001370571.1); short protein forms R325P, R494P, R362P, R395P.
Identifiers: ClinVar variation 2071624 (VCV002071624.4), dbSNP rs559896573, ClinGen allele CA342809268.

ClinVar aggregate classification (germline): Uncertain significance (1 of 4 stars; one submission).

gnomAD v4.1: 2 of 1,614,140 alleles (0.00012%); highest among the groups gnomAD compares: African/African-American, 0.0013%; no homozygotes.

Submission:

Labcorp Genetics (formerly Invitae), Labcorp
Classification: Uncertain significance. Last evaluated: 2022-08-09. Review status: criteria provided, single submitter. Criteria: Invitae Variant Classification Sherloc (09022015). Collection method: clinical testing. Allele origin: germline.
Comment: This variant has not been reported in the literature in individuals affected with SEMA4A-related conditions. This variant is not present in population databases (gnomAD no frequency). This sequence change replaces arginine, which is basic and polar, with proline, which is neutral and non-polar, at codon 494 of the SEMA4A protein (p.Arg494Pro). Algorithms developed to predict the effect of missense changes on protein structure and function are either unavailable or do not agree on the potential impact of this missense change (SIFT: "Tolerated"; PolyPhen-2: "Possibly Damaging"; Align-GVGD: "Class C0"). In summary, the available evidence is currently insufficient to determine the role of this variant in disease. Therefore, it has been classified as a Variant of Uncertain Significance.